The following is an entry in ClinVar:

NM_001270508.2(TNFAIP3):c.202C>T (p.Leu68Phe)

Gene: TNFAIP3 (TNF alpha induced protein 3; plus strand). Cytogenetic location: 6q23.3.
Variant type: single nucleotide variant.
Coding change: c.202C>T on transcript NM_001270508.2 (MANE Select); coding-DNA position 202, C replaced by T.
Protein change: p.Leu68Phe; replaces leucine 68 with phenylalanine.
Molecular consequence: missense variant.
Genome position (GRCh38, 1-based): chr6:137,871,429, C>T. VCF-style: chr6-137871429-C-T. GRCh37 (hg19) VCF-style: chr6-138192566-C-T.
Other names: c.202C>T, p.Leu68Phe (NM_001270507.2, NM_006290.4); c.202C>T (NM_006290.2); short protein forms L68F.
Identifiers: ClinVar variation 1446622 (VCV001446622.7), dbSNP rs1270108606, ClinGen allele CA365780618.

ClinVar aggregate classification (germline): Uncertain significance. Review status: criteria provided, multiple submitters, no conflicts (2 of 4 stars). 2 submissions from 2 submitters: Uncertain significance (2). Last evaluated 2026-07-29.

Conditions:
Inborn genetic diseases. Identifiers: MedGen C0950123, MeSH D030342.

Allele frequency attached by ClinVar (database versions not stated): gnomAD 0.00001; TOPMed 0.00002; gnomAD exomes below 0.00001.

Submissions (2):

Ambry Genetics
Classification: Uncertain significance for Inborn genetic diseases. Last evaluated: 2026-07-29. Review status: criteria provided, single submitter. Criteria: Ambry Variant Classification Scheme 2023. Collection method: clinical testing. Allele origin: germline.

Labcorp Genetics (formerly Invitae), Labcorp
Classification: Uncertain significance. Last evaluated: 2023-08-24. Review status: criteria provided, single submitter. Criteria: Invitae Variant Classification Sherloc (09022015). Collection method: clinical testing. Allele origin: germline.
Comment: In summary, the available evidence is currently insufficient to determine the role of this variant in disease. Therefore, it has been classified as a Variant of Uncertain Significance. Advanced modeling of protein sequence and biophysical properties (such as structural, functional, and spatial information, amino acid conservation, physicochemical variation, residue mobility, and thermodynamic stability) performed at Invitae indicates that this missense variant is expected to disrupt TNFAIP3 protein function. ClinVar contains an entry for this variant (Variation ID: 1446622). This variant has not been reported in the literature in individuals affected with TNFAIP3-related conditions. This variant is present in population databases (no rsID available, gnomAD 0.0009%). This sequence change replaces leucine, which is neutral and non-polar, with phenylalanine, which is neutral and non-polar, at codon 68 of the TNFAIP3 protein (p.Leu68Phe).